The following is an entry in ClinVar:

NM_016222.4(DDX41):c.340G>A (p.Glu114Lys)

Gene: DDX41 (DEAD-box helicase 41; minus strand). Cytogenetic location: 5q35.3.
Variant type: single nucleotide variant.
Coding change: c.340G>A on transcript NM_016222.4 (MANE Select); coding-DNA position 340, G replaced by A.
Protein change: p.Glu114Lys; replaces glutamic acid 114 with lysine.
Molecular consequence: missense variant. On other transcripts: 5 prime UTR variant (2).
Genome position (GRCh38, 1-based): chr5:177,516,152, C>T on the plus strand (G>A on the coding strand, the complement: DDX41 is on the minus strand). VCF-style: chr5-177516152-C-T. GRCh37 (hg19) VCF-style: chr5-176943153-C-T.
Other names: c.-39G>A (NM_001321732.2, NM_001321830.2); short protein forms E114K.
Identifiers: ClinVar variation 4010317 (VCV004010317.1).

ClinVar aggregate classification (germline): Uncertain significance (1 of 4 stars; one submission).

Conditions:
Inborn genetic diseases. Identifiers: MedGen C0950123, MeSH D030342.

gnomAD v4.1: 1 of 1,614,060 alleles (0.000062%); highest among the groups gnomAD compares: Non-Finnish European, 0.000085%; no homozygotes.

Submission:

Ambry Genetics
Classification: Uncertain significance for Inborn genetic diseases. Last evaluated: 2025-04-13. Review status: criteria provided, single submitter. Criteria: Ambry Variant Classification Scheme 2023. Collection method: clinical testing. Allele origin: germline.
Comment: The p.E114K variant (also known as c.340G>A), located in coding exon 4 of the DDX41 gene, results from a G to A substitution at nucleotide position 340. The glutamic acid at codon 114 is replaced by lysine, an amino acid with similar properties. This amino acid position is conserved. In addition, the in silico prediction for this alteration is inconclusive. Based on the available evidence, the clinical significance of this variant remains unclear.